The following is an entry in ClinVar:

ClinVar aggregate classification (germline): Conflicting classifications of pathogenicity. Review status: criteria provided, conflicting classifications (1 of 4 stars). 3 submissions from 3 submitters: Uncertain significance (2); Likely benign (1). Last evaluated 2025-02-13.

Conditions:
Genitopatellar syndrome (GTPTS). Also called: Genitopatellar syndrome (GPS); ABSENT PATELLAE, SCROTAL HYPOPLASIA, RENAL ANOMALIES, FACIAL DYSMORPHISM, AND MENTAL RETARDATION. Identifiers: Orphanet 85201, MedGen C1853566, MONDO:0011640, OMIM 606170.
Blepharophimosis - intellectual disability syndrome, SBBYS type (SBBYSS). Also called: Say-Barber-Biesecker Variant of Ohdo Syndrome; Say-Barber-Biesecker variant of Ohdo syndrome (SBBYSS); Say-Barber-Biesecker-Young-Simpson syndrome; Say-Barber-Biesecker-Young-Simpson variant of Ohdo Syndrome; Ohdo syndrome, SBBYS variant; SBBYSS syndrome. Identifiers: Orphanet 3047, MedGen C1863557, MONDO:0011365, OMIM 603736.

Allele frequency attached by ClinVar (database versions not stated): ExAC 0.00001; gnomAD 0.00003; TOPMed 0.00003.
gnomAD v4.1: 7 of 1,613,040 alleles (0.00043%); highest among the groups gnomAD compares: African/African-American, 0.008%; no homozygotes.

Submissions (3):

Labcorp Genetics (formerly Invitae), Labcorp
Classification: Uncertain significance for Genitopatellar syndrome. Last evaluated: 2025-02-13. Review status: criteria provided, single submitter. Criteria: Invitae Variant Classification Sherloc (09022015). Collection method: clinical testing. Allele origin: germline.
Comment: This sequence change replaces alanine, which is neutral and non-polar, with serine, which is neutral and polar, at codon 1120 of the KAT6B protein (p.Ala1120Ser). This variant is present in population databases (rs777180869, gnomAD 0.01%). This variant has not been reported in the literature in individuals affected with KAT6B-related conditions. ClinVar contains an entry for this variant (Variation ID: 1205272). Invitae Evidence Modeling of protein sequence and biophysical properties (such as structural, functional, and spatial information, amino acid conservation, physicochemical variation, residue mobility, and thermodynamic stability) indicates that this missense variant is not expected to disrupt KAT6B protein function with a negative predictive value of 80%. In summary, the available evidence is currently insufficient to determine the role of this variant in disease. Therefore, it has been classified as a Variant of Uncertain Significance.

Fulgent Genetics
Classification: Uncertain significance for Blepharophimosis - intellectual disability syndrome, SBBYS type; Genitopatellar syndrome. Last evaluated: 2024-04-20. Review status: criteria provided, single submitter. Criteria: ACMG Guidelines, 2015. Collection method: clinical testing. Allele origin: germline.

GeneDx
Classification: Likely benign. Last evaluated: 2020-11-18. Review status: criteria provided, single submitter. Criteria: GeneDx Variant Classification Process June 2021. Collection method: clinical testing. Allele origin: germline. Affected: yes.

NM_012330.4(KAT6B):c.3358G>T (p.Ala1120Ser)

Gene: KAT6B (lysine acetyltransferase 6B; plus strand). Cytogenetic location: 10q22.2.
Variant type: single nucleotide variant.
Coding change: c.3358G>T on transcript NM_012330.4 (MANE Select); coding-DNA position 3358, G replaced by T.
Protein change: p.Ala1120Ser; replaces alanine 1120 with serine.
Molecular consequence: missense variant.
Genome position (GRCh38, 1-based): chr10:75,022,217, G>T. VCF-style: chr10-75022217-G-T. GRCh37 (hg19) VCF-style: chr10-76781975-G-T.
Other names: c.1015G>T, p.Ala339Ser (NM_001370135.1); c.3358G>T, p.Ala1120Ser (NM_001370136.1, NM_001370137.1); c.2809G>T, p.Ala937Ser (NM_001370138.1, NM_001256468.2); c.2482G>T, p.Ala828Ser (NM_001370139.1, NM_001370140.1, NM_001370141.1 and 2 more transcripts); c.2293G>T, p.Ala765Ser (NM_001370143.1, NM_001370144.1); c.2320G>T, p.Ala774Ser (NM_001370132.1); c.1669G>T, p.Ala557Ser (NM_001370133.1); c.1273G>T, p.Ala425Ser (NM_001370134.1); short protein forms A1120S, A339S, A425S, A557S, A765S, A774S, A828S, A937S.
Identifiers: ClinVar variation 1205272 (VCV001205272.6), dbSNP rs777180869, ClinGen allele CA5564807.
Genomic context (GRCh38, chr10:75,022,217, plus strand): 5'-GAAGAAGAAGAAGAAAATATTCAAAGCTCTCCCCCAAGATTGACGAAACCACAGTCAGTT[G>T]CCATAAAGAGAAAGGTAGGTGTCTGTTTAGATTTTCTGTGAGTCGCGTTCAATCAAATCT-3'
Protein context (NP_036462.2, residues 1110-1130): PPRLTKPQSV[Ala1120Ser]IKRKRPFVLK